The following is an entry in ClinVar:

ClinVar aggregate classification (germline): Uncertain significance. Review status: criteria provided, multiple submitters, no conflicts (2 of 4 stars). 2 submissions from 2 submitters: Uncertain significance (2). Last evaluated 2026-04-24.

Allele frequency attached by ClinVar (database versions not stated): 1000 Genomes Project 0.00020; gnomAD exomes 0.00024; TOPMed 0.00027; 1000 Genomes Project 30x 0.00031; ESP Exome Variant Server 0.00031; gnomAD 0.00032; ExAC 0.00040.
gnomAD v4.1: 407 of 1,614,128 alleles (0.025%); highest among the groups gnomAD compares: Non-Finnish European, 0.022%; no homozygotes.

Submissions (2):

Laboratory Cellgenetics, GMDL Cellgenetics
Classification: Uncertain significance. Last evaluated: 2026-04-24. Review status: criteria provided, single submitter. Criteria: ACMG Guidelines, 2015. Collection method: clinical testing. Allele origin: maternal. Inheritance: Autosomal recessive inheritance. Affected: yes. Observed: 1 variant allele, 1 heterozygote.
Comment: PM2

Ambry Genetics
Classification: Uncertain significance. Last evaluated: 2021-09-27. Review status: criteria provided, single submitter. Criteria: Ambry Variant Classification Scheme 2023. Collection method: clinical testing. Allele origin: germline.

NM_020870.4(SH3RF1):c.533G>A (p.Gly178Glu)

Gene: SH3RF1 (SH3 domain containing ring finger 1; minus strand). Cytogenetic location: 4q32.3.
Variant type: single nucleotide variant.
Coding change: c.533G>A on transcript NM_020870.4 (MANE Select); coding-DNA position 533, G replaced by A.
Protein change: p.Gly178Glu; replaces glycine 178 with glutamic acid.
Molecular consequence: missense variant.
Genome position (GRCh38, 1-based): chr4:169,156,540, C>T on the plus strand (G>A on the coding strand, the complement: SH3RF1 is on the minus strand). VCF-style: chr4-169156540-C-T. GRCh37 (hg19) VCF-style: chr4-170077691-C-T.
Other names: short protein forms G178E.
Identifiers: ClinVar variation 2347266 (VCV002347266.3), dbSNP rs180769436, ClinGen allele CA3136967.
Genomic context (GRCh38, chr4:169,156,540, plus strand): 5'-GGGGGCTGAGGTAACGGTTTAATAATCTGCACAAAGTTGGTGGGGAAAAAGCCATGGATT[C>T]CATTGACTTCCCCATGGTACCAATTTTCATCCACTTGTCTTCGCAAAATGATGATGTCAC-3'
Protein context (NP_065921.2, residues 168-188): DENWYHGEVN[Gly178Glu]IHGFFPTNFV